The following is an entry in ClinVar:

NM_004744.5(LRAT):c.656C>A (p.Ala219Glu)

Gene: LRAT (lecithin retinol acyltransferase; plus strand). Cytogenetic location: 4q32.1.
Variant type: single nucleotide variant.
Coding change: c.656C>A on transcript NM_004744.5 (MANE Select); coding-DNA position 656, C replaced by A.
Protein change: p.Ala219Glu; replaces alanine 219 with glutamic acid.
Molecular consequence: missense variant.
Genome position (GRCh38, 1-based): chr4:154,749,099, C>A. VCF-style: chr4-154749099-C-A. GRCh37 (hg19) VCF-style: chr4-155670251-C-A.
Other names: c.656C>A, p.Ala219Glu (NM_001301645.2); short protein forms A219E.
Identifiers: ClinVar variation 1980547 (VCV001980547.4), dbSNP rs778057759, ClinGen allele CA358631161.
Genomic context (GRCh38, chr4:154,749,099, plus strand): 5'-CAGTCTTGGGATTGGCGTCTATAGTCTGTACGGGCTTGGTATCATACACTACCCTTCCTG[C>A]AATTTTTATTCCATTCTTCCTATGGATGGCTGGCTAACTTCATACCCCCATGTCAGTGTG-3'
Protein context (NP_004735.2, residues 209-229): TGLVSYTTLP[Ala219Glu]IFIPFFLWMA

ClinVar aggregate classification (germline): Uncertain significance (1 of 4 stars; one submission).

Submission:

Labcorp Genetics (formerly Invitae), Labcorp
Classification: Uncertain significance. Last evaluated: 2022-07-02. Review status: criteria provided, single submitter. Criteria: Invitae Variant Classification Sherloc (09022015). Collection method: clinical testing. Allele origin: germline.
Comment: This sequence change replaces alanine, which is neutral and non-polar, with glutamic acid, which is acidic and polar, at codon 219 of the LRAT protein (p.Ala219Glu). This variant is not present in population databases (gnomAD no frequency). In summary, the available evidence is currently insufficient to determine the role of this variant in disease. Therefore, it has been classified as a Variant of Uncertain Significance. Algorithms developed to predict the effect of missense changes on protein structure and function (SIFT, PolyPhen-2, Align-GVGD) all suggest that this variant is likely to be tolerated. This missense change has been observed in individual(s) with retinitis pigmentosa (Invitae).